The following is an entry in ClinVar:

ClinVar aggregate classification (germline): Conflicting classifications of pathogenicity. Review status: criteria provided, conflicting classifications (1 of 4 stars). 11 submissions from 11 submitters: Uncertain significance (1); Benign (4); Likely benign (5). 1 of the submissions does not count toward it. Last evaluated 2026-02-01.

Conditions:
SPR-related disorder. Also called: SPR-related condition.
Dopa-responsive dystonia due to sepiapterin reductase deficiency. Also called: SPR DEFICIENCY; Sepiapterin reductase deficiency; DYT-SPR. Identifiers: Orphanet 70594, MedGen C0268468, MONDO:0012994, OMIM 612716.
Dystonic disorder. Also called: Dystonia. Identifiers: MedGen C0013421, MONDO:0003441, HP:0001332.

Allele frequency attached by ClinVar (database versions not stated): 1000 Genomes Project 0.00100; 1000 Genomes Project 30x 0.00156; ESP Exome Variant Server 0.00380; gnomAD exomes 0.00387; TOPMed 0.00460; ExAC 0.00463; gnomAD 0.00519 and 0.00535.

Submissions (11):

CeGaT Center for Human Genetics Tuebingen
Classification: Likely benign. Last evaluated: 2026-02-01. Review status: criteria provided, single submitter. Criteria: CeGaT Center For Human Genetics Tuebingen Variant Classification Criteria Version 2. Collection method: clinical testing. Allele origin: germline. Affected: yes. Observed: 40 variant alleles.
Comment: SPR: BS2

Labcorp Genetics (formerly Invitae), Labcorp
Classification: Likely benign for Dystonic disorder. Last evaluated: 2026-02-01. Review status: criteria provided, single submitter. Criteria: Invitae Variant Classification Sherloc (09022015). Collection method: clinical testing. Allele origin: germline.

Blueprint Genetics
Classification: Likely benign. Last evaluated: 2024-11-25. Review status: criteria provided, single submitter. Criteria: ACMG Guidelines, 2015. Collection method: clinical testing. Allele origin: germline.

Mayo Clinic Laboratories, Mayo Clinic
Classification: Benign. Last evaluated: 2024-05-07. Review status: criteria provided, single submitter. Criteria: ACMG Guidelines, 2015. Collection method: clinical testing. Allele origin: germline. Observed: 16 variant alleles.
Comment: BS1, BS2, BP4

Department of Neurology, Xijing Hospital, Fourth Military Medical University
Classification: Uncertain significance for Dopa-responsive dystonia due to sepiapterin reductase deficiency. Last evaluated: 2022-03-01. Review status: criteria provided, single submitter. Criteria: ACMG Guidelines, 2015. Collection method: clinical testing. Allele origin: germline.

GeneDx
Classification: Benign. Last evaluated: 2019-04-24. Review status: criteria provided, single submitter. Criteria: GeneDx Variant Classification Process June 2021. Collection method: clinical testing. Allele origin: germline. Affected: yes.
Comment: This variant is associated with the following publications: (PMID: 25957637)

Illumina Laboratory Services, Illumina
Classification: Benign for Dopa-responsive dystonia due to sepiapterin reductase deficiency. Last evaluated: 2018-01-13. Review status: criteria provided, single submitter. Criteria: ICSL Variant Classification Criteria 13 December 2019. Collection method: clinical testing. Allele origin: germline.
Comment: This variant was observed in the ICSL laboratory as part of a predisposition screen in an ostensibly healthy population. It had not been previously curated by ICSL or reported in the Human Gene Mutation Database (HGMD: prior to June 1st, 2018), and was therefore a candidate for classification through an automated scoring system. Utilizing variant allele frequency, disease prevalence and penetrance estimates, and inheritance mode, an automated score was calculated to assess if this variant is too frequent to cause the disease. Based on the score and internal cut-off values, a variant classified as benign is not then subjected to further curation. The score for this variant resulted in a classification of benign for this disease.

Center for Pediatric Genomic Medicine, Children's Mercy Hospital and Clinics
Classification: Likely benign. Last evaluated: 2016-06-15. Review status: criteria provided, single submitter. Criteria: ACMG Guidelines, 2015. Collection method: clinical testing. Allele origin: germline.
ClinVar note: Converted during submission from Likely Benign to Likely benign.

Eurofins Ntd Llc (ga)
Classification: Benign. Last evaluated: 2016-02-13. Review status: criteria provided, single submitter. Criteria: EGL Classification Definitions 2015. Collection method: clinical testing. Allele origin: germline. Observed: 1 variant allele, 1 heterozygote.

Breakthrough Genomics
Classification: Likely benign. Review status: criteria provided, single submitter. Criteria: ACMG Guidelines, 2015. Collection method: not provided. Allele origin: germline. Inheritance: Autosomal recessive inheritance. Affected: yes.

PreventionGenetics, part of Exact Sciences
Classification: Benign for SPR-related condition. Last evaluated: 2019-09-12. Review status: no assertion criteria provided. Collection method: clinical testing. Allele origin: germline. Not counted in ClinVar's aggregate classification.
Comment: This variant is classified as benign based on ACMG/AMP sequence variant interpretation guidelines (Richards et al. 2015 PMID: 25741868, with internal and published modifications).

NM_003124.5(SPR):c.112G>A (p.Val38Ile)

Genes: SPR (sepiapterin reductase; plus strand), LOC129934069 (ATAC-STARR-seq lymphoblastoid silent region 11626; plus strand). Cytogenetic location: 2p13.2.
Variant type: single nucleotide variant.
Coding change: c.112G>A on transcript NM_003124.5 (MANE Select); coding-DNA position 112, G replaced by A.
Protein change: p.Val38Ile; replaces valine 38 with isoleucine.
Molecular consequence: missense variant.
Genome position (GRCh38, 1-based): chr2:72,887,544, G>A. VCF-style: chr2-72887544-G-A. GRCh37 (hg19) VCF-style: chr2-73114673-G-A.
Other names: p.Val38Ile; short protein forms V38I.
Identifiers: ClinVar variation 239509 (VCV000239509.78), dbSNP rs146099322, ClinGen allele CA1708906.